The following is an entry in ClinVar:

NM_001963.6(EGF):c.2759_2760delinsTA (p.Glu920Val)

Gene: EGF (epidermal growth factor; plus strand). Cytogenetic location: 4q25.
Variant type: Indel.
Coding change: c.2759_2760delinsTA on transcript NM_001963.6 (MANE Select); coding-DNA positions 2759 to 2760, AG replaced by TA.
Protein change: p.Glu920Val; replaces glutamic acid 920 with valine.
Molecular consequence: missense variant. On other transcripts: intron variant (1).
Genome position (GRCh38, 1-based): chr4:109,993,271-109,993,272, AG replaced by TA. VCF-style: chr4-109993271-AG-TA. GRCh37 (hg19) VCF-style: chr4-110914427-AG-TA.
Other names: c.2633_2634delinsTA, p.Glu878Val (NM_001178131.3); c.2390_2391delinsTA, p.Glu797Val (NM_001357021.2); c.2735-1462_2735-1461delinsTA (NM_001178130.3); short protein forms E920V, E797V, E878V.
Identifiers: ClinVar variation 2895354 (VCV002895354.3), dbSNP rs2545887863, ClinGen allele CA2739270252.

ClinVar aggregate classification (germline): Uncertain significance (1 of 4 stars; one submission).

Submission:

Labcorp Genetics (formerly Invitae), Labcorp
Classification: Uncertain significance. Last evaluated: 2025-10-21. Review status: criteria provided, single submitter. Criteria: Invitae Variant Classification Sherloc (09022015). Collection method: clinical testing. Allele origin: germline.
Comment: This sequence change replaces glutamic acid, which is acidic and polar, with valine, which is neutral and non-polar, at codon 920 of the EGF protein (p.Glu920Val). This variant is present in population databases (no rsID available, gnomAD 0.02%). This variant has not been reported in the literature in individuals affected with EGF-related conditions. ClinVar contains an entry for this variant (Variation ID: 2895354). An algorithm developed to predict the effect of missense changes on protein structure and function (PolyPhen-2) suggests that this variant is likely to be tolerated. In summary, the available evidence is currently insufficient to determine the role of this variant in disease. Therefore, it has been classified as a Variant of Uncertain Significance.